The following is an entry in ClinVar:

NM_001174150.2(ARL13B):c.393_396del (p.Gln132fs)

Gene: ARL13B (ARF like GTPase 13B; plus strand). Cytogenetic location: 3q11.2.
Variant type: Deletion.
Coding change: c.393_396del on transcript NM_001174150.2 (MANE Select); coding-DNA positions 393 to 396, 4 bases deleted (ACAA; older notation c.393_396delACAA).
Protein change: p.Gln132fs; shifts the reading frame from glutamine 132.
Molecular consequence: frameshift variant. On other transcripts: non-coding transcript variant (2).
Genome position (GRCh38, 1-based): chr3:94,035,343-94,035,346, ACAA deleted; deleting any 4 consecutive bases within chr3:94,035,341-94,035,346 gives the same sequence; the c. name uses the placement nearest the transcript's 3' end. VCF-style (leftmost placement, unchanged base first): chr3-94035340-TAAAC-T. GRCh37 (hg19) VCF-style: chr3-93754184-TAAAC-T.
Other names: c.84_87del, p.Gln29fs (NM_001174151.2); c.348_351del, p.Gln117fs (NM_001321328.2); c.72_75del, p.Gln25fs (NM_144996.4); c.393_396del, p.Gln132fs (NM_182896.3); short protein forms Q132fs, Q25fs, Q117fs, Q29fs.
Identifiers: ClinVar variation 578346 (VCV000578346.11), dbSNP rs1560002959, ClinGen allele CA891842799.

ClinVar aggregate classification (germline): Pathogenic/Likely pathogenic. Review status: criteria provided, multiple submitters, no conflicts (2 of 4 stars). 3 submissions from 3 submitters: Pathogenic (1); Likely pathogenic (2). Last evaluated 2024-04-30.

Conditions:
Joubert syndrome 8 (JBTS8). Identifiers: Orphanet 475, MedGen C2676771, MONDO:0012855, OMIM 612291.
Joubert syndrome. Also called: Familial aplasia of the vermis; CEREBELLOPARENCHYMAL DISORDER IV; JOUBERT-BOLTSHAUSER SYNDROME. Identifiers: Orphanet 475, MedGen C5979921, MONDO:0018772.

Submissions (3):

Fulgent Genetics
Classification: Likely pathogenic for Joubert syndrome 8. Last evaluated: 2024-04-30. Review status: criteria provided, single submitter. Criteria: ACMG Guidelines, 2015. Collection method: clinical testing. Allele origin: germline.

Labcorp Genetics (formerly Invitae), Labcorp
Classification: Pathogenic for Joubert syndrome 8. Last evaluated: 2023-01-20. Review status: criteria provided, single submitter. Criteria: Invitae Variant Classification Sherloc (09022015). Collection method: clinical testing. Allele origin: germline.
Comment: For these reasons, this variant has been classified as Pathogenic. ClinVar contains an entry for this variant (Variation ID: 578346). This variant has not been reported in the literature in individuals affected with ARL13B-related conditions. This variant is not present in population databases (gnomAD no frequency). This sequence change creates a premature translational stop signal (p.Gln132Ilefs*6) in the ARL13B gene. It is expected to result in an absent or disrupted protein product. Loss-of-function variants in ARL13B are known to be pathogenic (PMID: 18674751).

Laboratory for Molecular Medicine, Mass General Brigham Personalized Medicine
Classification: Likely pathogenic for Joubert syndrome. Last evaluated: 2021-03-05. Review status: criteria provided, single submitter. Criteria: LMM Criteria. Collection method: clinical testing. Allele origin: germline. Inheritance: Autosomal recessive inheritance. Observed: 1 variant allele.
Comment: The p.Gln132IlefsX6 variant in ARL13B has not been previously reported in individuals with Joubert syndrome and was absent from large population studies. This variant is listed in ClinVar (allele ID: 559535). This variant is predicted to cause a frameshift, which alters the proteinâ€™s amino acid sequence beginning at position 132 and leads to a premature termination codon 6 amino acids downstream. This alteration is then predicted to lead to a truncated or absent protein. Loss of function of the ARL13B gene has been suggested as a disease mechanism in autosomal recessive Joubert syndrome. In summary, although additional studies are required to fully establish its clinical significance, this variant meets criteria to be classified as likely pathogenic for autosomal recessive Joubert syndrome. ACMG/AMP Criteria applied: PM2; PVS1_S

Literature cited by the submitters: PubMed 18674751 (cited by Labcorp Genetics (formerly Invitae), Labcorp).